The following is an entry in ClinVar:

ClinVar aggregate classification (germline): Uncertain significance. Review status: criteria provided, multiple submitters, no conflicts (2 of 4 stars). 2 submissions from 2 submitters: Uncertain significance (2). Last evaluated 2024-09-09.

Conditions:
Van Maldergem syndrome 1 (VMLDS1). Also called: Van Maldergem syndrome 1 (VMLDS1). Identifiers: Orphanet 314679, MedGen C4551950, MONDO:0011070, OMIM 601390.

Allele frequency attached by ClinVar (database versions not stated): gnomAD exomes 0.00001 and 0.00002; ExAC 0.00002.
gnomAD v4.1: 10 of 1,613,894 alleles (0.00062%); highest among the groups gnomAD compares: Admixed American, 0.0033%; no homozygotes.

Submissions (2):

Clinical Genomics Laboratory, Washington University in St. Louis
Classification: Uncertain significance for Van Maldergem syndrome 1. Last evaluated: 2024-09-09. Review status: criteria provided, single submitter. Criteria: ACMG Guidelines, 2015. Collection method: clinical testing. Allele origin: germline.
Comment: A DCHS1 c.1906G>A (p.Gly636Ser) variant was identified at a heterozygous allelic fraction of 50%, a frequency which may be consistent with germline origin. This variant, to our knowledge, has not been reported in the medical literature. It has been reported in the ClinVar database as a variant of uncertain significance by a single submitter (ClinVar variation ID: 252623) and is only observed on 10/1,613,894 alleles in the general population (gnomAD v.4.1.0), indicating it is not a common variant. Computational predictors indicate that the variant is damaging, evidence that correlates with impact to DCHS1 function. Due to limited information, and based on ACMG/AMP guidelines for variant interpretation (Richards S et al., PMID: 25741868), the clinical significance of this variant is uncertain at this time.

Genomic Diagnostic Laboratory, Division of Genomic Diagnostics, Children's Hospital of Philadelphia
Classification: Uncertain significance. Last evaluated: 2015-10-31. Review status: criteria provided, single submitter. Criteria: DGD Variant Analysis Guidelines. Collection method: clinical testing. Allele origin: unknown.

NM_003737.4(DCHS1):c.1906G>A (p.Gly636Ser)

Gene: DCHS1 (dachsous cadherin-related 1; minus strand). Cytogenetic location: 11p15.4.
Variant type: single nucleotide variant.
Coding change: c.1906G>A on transcript NM_003737.4 (MANE Select); coding-DNA position 1906, G replaced by A.
Protein change: p.Gly636Ser; replaces glycine 636 with serine.
Molecular consequence: missense variant.
Genome position (GRCh38, 1-based): chr11:6,634,198, C>T on the plus strand (G>A on the coding strand, the complement: DCHS1 is on the minus strand). VCF-style: chr11-6634198-C-T. GRCh37 (hg19) VCF-style: chr11-6655429-C-T.
Other names: short protein forms G636S.
Identifiers: ClinVar variation 252623 (VCV000252623.3), dbSNP rs778767800, ClinGen allele CA5860861.